The following is an entry in ClinVar:

ClinVar aggregate classification (germline): Uncertain significance (1 of 4 stars; one submission).

Conditions:
Inborn genetic diseases. Identifiers: MedGen C0950123, MeSH D030342.

Submission:

Ambry Genetics
Classification: Uncertain significance for Inborn genetic diseases. Last evaluated: 2022-07-24. Review status: criteria provided, single submitter. Criteria: Ambry Variant Classification Scheme 2023. Collection method: clinical testing. Allele origin: germline.
Comment: The c.808_810delCTT (p.L270del) alteration is located in exon 6 (coding exon 6) of the MED12L gene. This alteration consists of an in-frame deletion of 3 nucleotides between nucleotide positions c.808 and c.810, resulting in the deletion of <NA> residues. Based on insufficient or conflicting evidence, the clinical significance of this alteration remains unclear.

NM_001393769.1(MED12L):c.805CTT[1] (p.Leu270del)

Gene: MED12L (mediator complex subunit 12L; plus strand). Cytogenetic location: 3q25.1.
Variant type: Microsatellite.
Coding change: c.805CTT[1] on transcript NM_001393769.1 (MANE Select); one copy of the 3-base unit CTT starting at c.805; the reference has two copies in a row; one copy, 3 bases deleted.
Protein change: p.Leu270del; deletes leucine 270.
Molecular consequence: inframe deletion.
Genome position (GRCh38, 1-based): chr3:151,158,770-151,158,772, CTT deleted; deleting any 3 consecutive bases within chr3:151,158,766-151,158,772 gives the same sequence; the position shown is the placement nearest the transcript's 3' end. VCF-style (leftmost placement, unchanged base first): chr3-151158765-ATCT-A. GRCh37 (hg19) VCF-style: chr3-150876552-ATCT-A.
Other names: c.805CTT[1], p.Leu270del (NM_053002.6); short protein forms L270del.
Identifiers: ClinVar variation 2209974 (VCV002209974.2), dbSNP rs780721443, ClinGen allele CA2666480.